The following is an entry in ClinVar:

NM_032043.3(BRIP1):c.1438A>T (p.Met480Leu)

Gene: BRIP1 (BRCA1 interacting DNA helicase 1; minus strand). Cytogenetic location: 17q23.2.
Variant type: single nucleotide variant.
Coding change: c.1438A>T on transcript NM_032043.3 (MANE Select); coding-DNA position 1438, A replaced by T.
Protein change: p.Met480Leu; replaces methionine 480 with leucine.
Molecular consequence: missense variant.
Genome position (GRCh38, 1-based): chr17:61,793,632, T>A on the plus strand (A>T on the coding strand, the complement: BRIP1 is on the minus strand). VCF-style: chr17-61793632-T-A. GRCh37 (hg19) VCF-style: chr17-59870993-T-A.
Other names: short protein forms M480L.
Identifiers: ClinVar variation 4826450 (VCV004826450.1).

ClinVar aggregate classification (germline): Uncertain significance (1 of 4 stars; one submission).

Conditions:
Hereditary cancer-predisposing syndrome. Also called: Neoplastic Syndromes, Hereditary; Tumor predisposition; Hereditary Cancer Syndrome; Hereditary neoplastic syndrome. Identifiers: Orphanet 140162, MedGen C0027672, MeSH D009386, MONDO:0015356.

Submission:

Ambry Genetics
Classification: Uncertain significance for Hereditary cancer-predisposing syndrome. Last evaluated: 2026-02-24. Review status: criteria provided, single submitter. Criteria: Ambry Variant Classification Scheme 2023. Collection method: clinical testing. Allele origin: germline.
Comment: The p.M480L variant (also known as c.1438A>T), located in coding exon 9 of the BRIP1 gene, results from an A to T substitution at nucleotide position 1438. The methionine at codon 480 is replaced by leucine, an amino acid with highly similar properties. This amino acid position is conserved. In addition, this alteration is predicted to be tolerated by in silico analysis. Based on the available evidence, the clinical significance of this variant remains unclear.